The following is an entry in ClinVar:

ClinVar aggregate classification (germline): Conflicting classifications of pathogenicity. Review status: criteria provided, conflicting classifications (1 of 4 stars). 6 submissions from 6 submitters: Uncertain significance (1); Benign (1); Likely benign (3). 1 of the submissions does not count toward it. Last evaluated 2026-01-20.

Conditions:
POMT1-related disorder. Also called: POMT1-related disorders; POMT1-related condition.
Autosomal recessive limb-girdle muscular dystrophy type 2K. Also called: MUSCULAR DYSTROPHY-DYSTROGLYCANOPATHY (LIMB-GIRDLE), TYPE C, 1; MUSCULAR DYSTROPHY, LIMB-GIRDLE, TYPE 2K. Identifiers: Orphanet 86812, MedGen C1836373, MONDO:0012248, OMIM 609308.
Muscular dystrophy-dystroglycanopathy (congenital with impaired intellectual development), type B, 1. Also called: Muscular dystrophy-dystroglycanopathy (congenital with intellectual disability), type B1; MUSCULAR DYSTROPHY, CONGENITAL, POMT1-RELATED. Identifiers: MedGen C5436962, MONDO:0013159, OMIM 613155.
Walker-Warburg congenital muscular dystrophy. Also called: Muscular dystrophy-dystroglycanopathy, type A; Walker-Warburg syndrome. Identifiers: Orphanet 899, MedGen C0265221, MONDO:0000171.

Allele frequency attached by ClinVar (database versions not stated): ExAC 0.00019; 1000 Genomes Project 0.00020; 1000 Genomes Project 30x 0.00016; TOPMed 0.00020; gnomAD 0.00029.
gnomAD v4.1: 127 of 1,595,554 alleles (0.008%); highest among the groups gnomAD compares: East Asian, 0.21%; 1 homozygote.

Submissions (6):

Labcorp Genetics (formerly Invitae), Labcorp
Classification: Benign for Muscular dystrophy-dystroglycanopathy (congenital with impaired intellectual development), type B, 1; Walker-Warburg congenital muscular dystrophy; Autosomal recessive limb-girdle muscular dystrophy type 2K. Last evaluated: 2026-01-20. Review status: criteria provided, single submitter. Criteria: Invitae Variant Classification Sherloc (09022015). Collection method: clinical testing. Allele origin: germline.

Blueprint Genetics
Classification: Likely benign. Last evaluated: 2024-10-24. Review status: criteria provided, single submitter. Criteria: ACMG Guidelines, 2015. Collection method: clinical testing. Allele origin: germline.

Athena Diagnostics
Classification: Likely benign. Last evaluated: 2018-08-14. Review status: criteria provided, single submitter. Criteria: Athena Diagnostics Criteria. Collection method: clinical testing. Allele origin: germline.

Eurofins Ntd Llc (ga)
Classification: Uncertain significance. Last evaluated: 2018-05-18. Review status: criteria provided, single submitter. Criteria: EGL ClinVar v180209 classification definitions. Collection method: clinical testing. Allele origin: germline. Observed: 3 variant alleles, 3 heterozygotes.

GeneDx
Classification: Likely benign. Last evaluated: 2017-12-19. Review status: criteria provided, single submitter. Criteria: GeneDx Variant Classification (06012015). Collection method: clinical testing. Allele origin: germline. Affected: yes.
Comment: This variant is considered likely benign or benign based on one or more of the following criteria: it is a conservative change, it occurs at a poorly conserved position in the protein, it is predicted to be benign by multiple in silico algorithms, and/or has population frequency not consistent with disease.

PreventionGenetics, part of Exact Sciences
Classification: Likely benign for POMT1-related condition. Last evaluated: 2024-09-28. Review status: no assertion criteria provided. Collection method: clinical testing. Allele origin: germline. Not counted in ClinVar's aggregate classification.
Comment: This variant is classified as likely benign based on ACMG/AMP sequence variant interpretation guidelines (Richards et al. 2015 PMID: 25741868, with internal and published modifications).

NM_001077365.2(POMT1):c.1698+10C>A

Gene: POMT1 (protein O-mannosyltransferase 1; plus strand). Cytogenetic location: 9q34.13.
Variant type: single nucleotide variant.
Coding change: c.1698+10C>A on transcript NM_001077365.2 (MANE Select); 10 bases into the intron after coding-DNA position 1698, C replaced by A.
Molecular consequence: intron variant.
Genome position (GRCh38, 1-based): chr9:131,520,203, C>A. VCF-style: chr9-131520203-C-A. GRCh37 (hg19) VCF-style: chr9-134395590-C-A.
Other names: c.1602+10C>A (NM_001353198.2, NM_001353197.2); c.1764+10C>A (NM_001353193.2, NM_007171.4); c.1698+10C>A (NM_001136113.2); c.1536+10C>A (NM_001353194.2, NM_001077366.2); c.1347+10C>A (NM_001374691.1, NM_001353195.2, NM_001374692.1 and 2 more transcripts); c.1479+10C>A (NM_001374690.1); c.1608+10C>A (NM_001353196.2); c.1308+10C>A (NM_001374695.1); and 3 more.
Identifiers: ClinVar variation 498350 (VCV000498350.19), dbSNP rs184131819, ClinGen allele CA5293784.
Genomic context (GRCh38, chr9:131,520,203, plus strand): 5'-TGGGTCACCCTGGACACCAATATTGCCTACTGGCTGCACCCCAGGACCAGCGTAAGCGAG[C>A]GATGCTGACAGCTGACAGTCATAGATTCATCCTGTTTCTTGAGAATTCCTTGCATTAAGA-3'